The following is an entry in ClinVar:

NM_001292063.2(OTOG):c.3212A>C (p.His1071Pro)

Gene: OTOG (otogelin; plus strand). Cytogenetic location: 11p15.1.
Variant type: single nucleotide variant.
Coding change: c.3212A>C on transcript NM_001292063.2 (MANE Select); coding-DNA position 3212, A replaced by C.
Protein change: p.His1071Pro; replaces histidine 1071 with proline.
Molecular consequence: missense variant.
Genome position (GRCh38, 1-based): chr11:17,593,680, A>C. VCF-style: chr11-17593680-A-C. GRCh37 (hg19) VCF-style: chr11-17615227-A-C.
Other names: c.3248A>C, p.His1083Pro (NM_001277269.2); short protein forms H1071P, H1083P.
Identifiers: ClinVar variation 1305186 (VCV001305186.2), dbSNP rs755488549, ClinGen allele CA218460253.

ClinVar aggregate classification (germline): Uncertain significance (1 of 4 stars; one submission).

Allele frequency attached by ClinVar (database versions not stated): gnomAD 0.00001; gnomAD exomes 0.00001.
gnomAD v4.1: 2 of 1,548,922 alleles (0.00013%); highest among the groups gnomAD compares: Non-Finnish European, 0.00017%; no homozygotes.

Submission:

GeneDx
Classification: Uncertain significance. Last evaluated: 2021-03-31. Review status: criteria provided, single submitter. Criteria: GeneDx Variant Classification Process June 2021. Collection method: clinical testing. Allele origin: germline. Affected: yes.
Comment: Not observed at a significant frequency in large population cohorts (Lek et al., 2016); In silico analysis supports that this missense variant has a deleterious effect on protein structure/function; Has not been previously published as pathogenic or benign to our knowledge